The following is an entry in ClinVar:

ClinVar aggregate classification (germline): Likely benign. Review status: criteria provided, multiple submitters, no conflicts (2 of 4 stars). 3 submissions from 3 submitters: Likely benign (3). Last evaluated 2026-01-14.

Conditions:
USH2A-related disorder. Also called: USH2A-related condition; USH2A-related disorders. Identifiers: MedGen CN239332.

Allele frequency attached by ClinVar (database versions not stated): ExAC 0.00006; TOPMed 0.00008; gnomAD 0.00014; ESP Exome Variant Server 0.00015.
gnomAD v4.1: 77 of 1,613,848 alleles (0.0048%); highest among the groups gnomAD compares: Middle Eastern, 0.049%; no homozygotes.

Submissions (3):

Labcorp Genetics (formerly Invitae), Labcorp
Classification: Likely benign. Last evaluated: 2026-01-14. Review status: criteria provided, single submitter. Criteria: Invitae Variant Classification Sherloc (09022015). Collection method: clinical testing. Allele origin: germline.

PreventionGenetics, part of Exact Sciences
Classification: Likely benign for USH2A-related condition. Last evaluated: 2025-01-14. Review status: criteria provided, single submitter. Criteria: ACMG Guidelines, 2015. Collection method: clinical testing. Allele origin: germline.
Comment: This variant is classified as likely benign based on ACMG/AMP sequence variant interpretation guidelines (Richards et al. 2015 PMID: 25741868, with internal and published modifications).

Blueprint Genetics
Classification: Likely benign. Last evaluated: 2024-09-10. Review status: criteria provided, single submitter. Criteria: ACMG Guidelines, 2015. Collection method: clinical testing. Allele origin: germline.

NM_206933.4(USH2A):c.12621C>T (p.Ala4207=)

Gene: USH2A (usherin; minus strand). Cytogenetic location: 1q41.
Variant type: single nucleotide variant.
Coding change: c.12621C>T on transcript NM_206933.4 (MANE Select); coding-DNA position 12621, C replaced by T.
Protein change: p.Ala4207=; no amino-acid change (alanine 4207 retained).
Molecular consequence: synonymous variant.
Genome position (GRCh38, 1-based): chr1:215,675,290, G>A on the plus strand (C>T on the coding strand, the complement: USH2A is on the minus strand). VCF-style: chr1-215675290-G-A. GRCh37 (hg19) VCF-style: chr1-215848632-G-A.
Other names: c.12621C>T (NM_206933.2).
Identifiers: ClinVar variation 1105003 (VCV001105003.11), dbSNP rs369544099, ClinGen allele CA1393438.